The following is an entry in ClinVar:

NM_021620.4(PRDM13):c.783G>A (p.Met261Ile)

Gene: PRDM13 (PR/SET domain 13; plus strand). Cytogenetic location: 6q16.2.
Variant type: single nucleotide variant.
Coding change: c.783G>A on transcript NM_021620.4 (MANE Select); coding-DNA position 783, G replaced by A.
Protein change: p.Met261Ile; replaces methionine 261 with isoleucine.
Molecular consequence: missense variant.
Genome position (GRCh38, 1-based): chr6:99,613,418, G>A. VCF-style: chr6-99613418-G-A. GRCh37 (hg19) VCF-style: chr6-100061294-G-A.
Other names: c.783G>A (NM_021620.3); short protein forms M261I.
Identifiers: ClinVar variation 1502275 (VCV001502275.9), dbSNP rs1345139655, ClinGen allele CA365116282.
Genomic context (GRCh38, chr6:99,613,418, plus strand): 5'-CCCAGGCAAGTGGGGGCAGCCCAAGAAGGGCAAGGAGCAGCTGGACCGTGCCCTGGACAT[G>A]AGCGGAGCCGCCCGAGGACAAGGGCACTTCCTCGGCATCGTGGGCGGCTCCTCGGCGGGG-3'
Protein context (NP_067633.2, residues 251-271): GKEQLDRALD[Met261Ile]SGAARGQGHF

ClinVar aggregate classification (germline): Uncertain significance. Review status: criteria provided, multiple submitters, no conflicts (2 of 4 stars). 2 submissions from 2 submitters: Uncertain significance (2). Last evaluated 2025-11-27.

Conditions:
Inborn genetic diseases. Identifiers: MedGen C0950123, MeSH D030342.

Allele frequency attached by ClinVar (database versions not stated): gnomAD 0.00001; gnomAD exomes 0.00001; TOPMed 0.00001.

Submissions (2):

Labcorp Genetics (formerly Invitae), Labcorp
Classification: Uncertain significance. Last evaluated: 2025-11-27. Review status: criteria provided, single submitter. Criteria: Invitae Variant Classification Sherloc (09022015). Collection method: clinical testing. Allele origin: germline.
Comment: This sequence change replaces methionine, which is neutral and non-polar, with isoleucine, which is neutral and non-polar, at codon 261 of the PRDM13 protein (p.Met261Ile). The frequency data for this variant in the population databases is considered unreliable, as metrics indicate poor data quality at this position in the gnomAD database. This variant has not been reported in the literature in individuals affected with PRDM13-related conditions. ClinVar contains an entry for this variant (Variation ID: 1502275). An algorithm developed to predict the effect of missense changes on protein structure and function (PolyPhen-2) suggests that this variant is likely to be tolerated. In summary, the available evidence is currently insufficient to determine the role of this variant in disease. Therefore, it has been classified as a Variant of Uncertain Significance.

Ambry Genetics
Classification: Uncertain significance for Inborn genetic diseases. Last evaluated: 2021-09-16. Review status: criteria provided, single submitter. Criteria: Ambry Variant Classification Scheme 2023. Collection method: clinical testing. Allele origin: germline.